The following is an entry in ClinVar:

ClinVar aggregate classification (germline): Likely benign (1 of 4 stars; one submission).

Conditions:
LRRC45-related disorder. Also called: LRRC45-related condition.

Submission:

PreventionGenetics, part of Exact Sciences
Classification: Likely benign for LRRC45-related condition. Last evaluated: 2024-10-16. Review status: criteria provided, single submitter. Criteria: ACMG Guidelines, 2015. Collection method: clinical testing. Allele origin: germline.
Comment: This variant is classified as likely benign based on ACMG/AMP sequence variant interpretation guidelines (Richards et al. 2015 PMID: 25741868, with internal and published modifications).

NM_144999.4(LRRC45):c.627G>C (p.Gly209=)

Gene: LRRC45 (leucine rich repeat containing 45; plus strand). Cytogenetic location: 17q25.3.
Variant type: single nucleotide variant.
Coding change: c.627G>C on transcript NM_144999.4 (MANE Select); coding-DNA position 627, G replaced by C.
Protein change: p.Gly209=; no amino-acid change (glycine 209 retained).
Molecular consequence: synonymous variant.
Genome position (GRCh38, 1-based): chr17:82,025,473, G>C. VCF-style: chr17-82025473-G-C. GRCh37 (hg19) VCF-style: chr17-79983349-G-C.
Identifiers: ClinVar variation 4981902 (VCV004981902.1).